The following is an entry in ClinVar:

ClinVar aggregate classification (germline): Uncertain significance. Review status: criteria provided, multiple submitters, no conflicts (2 of 4 stars). 2 submissions from 2 submitters: Uncertain significance (2). Last evaluated 2024-05-06.

Conditions:
Progressive myoclonic epilepsy type 7. Identifiers: Orphanet 435438, MedGen C4015420, MONDO:0014521, OMIM 616187.

Allele frequency attached by ClinVar (database versions not stated): TOPMed 0.00001.
gnomAD v4.1: 12 of 1,550,942 alleles (0.00077%); highest among the groups gnomAD compares: East Asian, 0.0024%; no homozygotes.

Submissions (2):

Labcorp Genetics (formerly Invitae), Labcorp
Classification: Uncertain significance for Progressive myoclonic epilepsy type 7. Last evaluated: 2024-05-06. Review status: criteria provided, single submitter. Criteria: Invitae Variant Classification Sherloc (09022015). Collection method: clinical testing. Allele origin: germline.
Comment: This sequence change replaces glycine, which is neutral and non-polar, with arginine, which is basic and polar, at codon 552 of the KCNC1 protein (p.Gly552Arg). This variant is present in population databases (no rsID available, gnomAD 0.01%). This variant has not been reported in the literature in individuals affected with KCNC1-related conditions. ClinVar contains an entry for this variant (Variation ID: 573536). Advanced modeling of protein sequence and biophysical properties (such as structural, functional, and spatial information, amino acid conservation, physicochemical variation, residue mobility, and thermodynamic stability) performed at Invitae indicates that this missense variant is expected to disrupt KCNC1 protein function with a positive predictive value of 95%. In summary, the available evidence is currently insufficient to determine the role of this variant in disease. Therefore, it has been classified as a Variant of Uncertain Significance.

GeneDx
Classification: Uncertain significance. Last evaluated: 2019-04-04. Review status: criteria provided, single submitter. Criteria: GeneDx Variant Classification Process June 2021. Collection method: clinical testing. Allele origin: germline. Affected: yes.
Comment: In silico analysis, which includes protein predictors and evolutionary conservation, supports a deleterious effect; Has not been previously published as pathogenic or benign to our knowledge

NM_001112741.2(KCNC1):c.1654G>A (p.Gly552Arg)

Gene: KCNC1 (potassium voltage-gated channel subfamily C member 1; plus strand). Cytogenetic location: 11p15.1.
Variant type: single nucleotide variant.
Coding change: c.1654G>A on transcript NM_001112741.2 (MANE Select); coding-DNA position 1654, G replaced by A.
Protein change: p.Gly552Arg; replaces glycine 552 with arginine.
Molecular consequence: missense variant.
Genome position (GRCh38, 1-based): chr11:17,779,605, G>A. VCF-style: chr11-17779605-G-A. GRCh37 (hg19) VCF-style: chr11-17801152-G-A.
Other names: short protein forms G552R.
Identifiers: ClinVar variation 573536 (VCV000573536.8), dbSNP rs755386451, ClinGen allele CA379814543.